The following is an entry in ClinVar:

NM_007294.4(BRCA1):c.5013A>G (p.Lys1671=)

Gene: BRCA1 (BRCA1 DNA repair associated; minus strand). Cytogenetic location: 17q21.31.
Variant type: single nucleotide variant.
Coding change: c.5013A>G on transcript NM_007294.4 (MANE Select); coding-DNA position 5013, A replaced by G.
Protein change: p.Lys1671=; no amino-acid change (lysine 1671 retained).
Molecular consequence: synonymous variant. On other transcripts: intron variant (1).
Genome position (GRCh38, 1-based): chr17:43,067,669, T>C on the plus strand (A>G on the coding strand, the complement: BRCA1 is on the minus strand). VCF-style: chr17-43067669-T-C. GRCh37 (hg19) VCF-style: chr17-41219686-T-C.
Other names: c.4869A>G, p.Lys1623= (NM_001407943.1, NM_001407944.1, NM_001407945.1 and 21 more transcripts); c.4680A>G, p.Lys1560= (NM_001407946.1, NM_001407947.1, NM_001407948.1 and 1 more transcripts); c.4677A>G, p.Lys1559= (NM_001407950.1, NM_001407951.1, NM_001407952.1 and 3 more transcripts); c.4674A>G, p.Lys1558= (NM_001407956.1, NM_001407957.1, NM_001407958.1); c.4632A>G, p.Lys1544= (NM_001407959.1); c.4629A>G, p.Lys1543= (NM_001407960.1, NM_001407962.1); c.4626A>G, p.Lys1542= (NM_001407963.1); c.4551A>G, p.Lys1517= (NM_001407964.1); and 71 more.
Identifiers: ClinVar variation 868528 (VCV000868528.3), dbSNP rs2052181061, ClinGen allele CA500146378.

Conditions:
Breast-ovarian cancer, familial, susceptibility to, 1 (BROVCA1). Also called: BRCA1 Hereditary Breast and Ovarian Cancer; OVARIAN CANCER, SUSCEPTIBILITY TO. Identifiers: Orphanet 145, MedGen C2676676, MONDO:0011450, OMIM 604370. Disease mechanism: loss of function.

Submission:

Brotman Baty Institute, University of Washington
No classification provided (evidence only). Condition: Breast-ovarian cancer, familial 1. Review status: no classification provided. Collection method: in vitro. Allele origin: not applicable. Functional consequence: functionally_normal.
ClinVar note: "not provided" was previously submitted as the classification for the variant. However, the classification appeared to be based only on an observation of functional data so it was converted to no classification on 2025-07-30.